The following is an entry in ClinVar:

NM_001018115.3(FANCD2):c.2997T>C (p.Ile999=)

Gene: FANCD2 (FA complementation group D2; plus strand). Cytogenetic location: 3p25.3.
Variant type: single nucleotide variant.
Coding change: c.2997T>C on transcript NM_001018115.3 (MANE Select); coding-DNA position 2997, T replaced by C.
Protein change: p.Ile999=; no amino-acid change (isoleucine 999 retained).
Molecular consequence: synonymous variant.
Genome position (GRCh38, 1-based): chr3:10,081,120, T>C. VCF-style: chr3-10081120-T-C. GRCh37 (hg19) VCF-style: chr3-10122804-T-C.
Other names: c.2997T>C, p.Ile999= (NM_001319984.2, NM_001374254.1, NM_033084.6); c.2886T>C, p.Ile962= (NM_001374253.1).
Identifiers: ClinVar variation 3043772 (VCV003043772.2), dbSNP rs2470014608, ClinGen allele CA432413127.

ClinVar aggregate classification (germline): Likely benign (0 of 4 stars; one submission).

Conditions:
FANCD2-related disorder. Also called: FANCD2-related condition.

Allele frequency attached by ClinVar (database versions not stated): gnomAD exomes 0.00001.
gnomAD v4.1: 13 of 1,614,200 alleles (0.00081%); highest among the groups gnomAD compares: Non-Finnish European, 0.001%; no homozygotes.

Submission:

PreventionGenetics, part of Exact Sciences
Classification: Likely benign for FANCD2-related condition. Last evaluated: 2022-08-02. Review status: no assertion criteria provided. Collection method: clinical testing. Allele origin: germline.
Comment: This variant is classified as likely benign based on ACMG/AMP sequence variant interpretation guidelines (Richards et al. 2015 PMID: 25741868, with internal and published modifications).